The following is an entry in ClinVar:

NM_031844.3(HNRNPU):c.325G>C (p.Glu109Gln)

Gene: HNRNPU (heterogeneous nuclear ribonucleoprotein U; minus strand). Cytogenetic location: 1q44.
Variant type: single nucleotide variant.
Coding change: c.325G>C on transcript NM_031844.3 (MANE Select); coding-DNA position 325, G replaced by C.
Protein change: p.Glu109Gln; replaces glutamic acid 109 with glutamine.
Molecular consequence: missense variant.
Genome position (GRCh38, 1-based): chr1:244,863,983, C>G on the plus strand (G>C on the coding strand, the complement: HNRNPU is on the minus strand). VCF-style: chr1-244863983-C-G. GRCh37 (hg19) VCF-style: chr1-245027285-C-G.
Other names: c.325G>C, p.Glu109Gln (NM_004501.3); short protein forms E109Q.
Identifiers: ClinVar variation 1804957 (VCV001804957.1), dbSNP rs1680930166, ClinGen allele CA345497373.

ClinVar aggregate classification (germline): Uncertain significance (1 of 4 stars; one submission).

Conditions:
Developmental and epileptic encephalopathy, 54. Also called: HNRNPU-Related Neurodevelopmental Disorder; Epileptic encephalopathy, early infantile, 54. Identifiers: MedGen C4479319, MONDO:0033363, OMIM 617391.

Submission:

Victorian Clinical Genetics Services, Murdoch Childrens Research Institute
Classification: Uncertain significance for Developmental and epileptic encephalopathy, 54. Last evaluated: 2021-05-06. Review status: criteria provided, single submitter. Criteria: ACMG Guidelines, 2015. Collection method: clinical testing. Allele origin: germline. Inheritance: Autosomal dominant inheritance. Affected: yes.
Comment: Based on the classification scheme VCGS_Germline_v1.3.4, this variant is classified as VUS-3C. Following criteria are met: 0102 - Loss of function is a known mechanism of disease in this gene and is associated with developmental and epileptic encephalopathy 54 (MIM# 617391). (I) 0107 - This gene is associated with autosomal dominant disease. (I) 0200 - Variant is predicted to result in a missense amino acid change from glutamic acid to glutamine. (I) 0251 - This variant is heterozygous. (I) 0301 - Variant is absent from gnomAD (both v2 and v3). (SP) 0503 - Missense variant consistently predicted to be tolerated by multiple in silico tools or not conserved in placental mammals with a minor amino acid change. (SB) 0604 - Variant is not located in an established domain, motif, hotspot or informative constraint region. (I) 0705 - No comparable missense variants have previous evidence for pathogenicity. (I) 0807 - This variant has no previous evidence of pathogenicity. (I) 0905 - No published segregation evidence has been identified for this variant. (I) 1007 - No published functional evidence has been identified for this variant. (I) 1208 - Inheritance information for this variant is not currently available in this individual. (I) Legend: (SP) - Supporting pathogenic, (I) - Information, (SB) - Supporting benign